The following is an entry in ClinVar:

ClinVar aggregate classification (germline): Pathogenic (1 of 4 stars; one submission).

Conditions:
Polycystic kidney disease 2 (PKD2). Also called: POLYCYSTIC KIDNEY DISEASE 2 WITH OR WITHOUT POLYCYSTIC LIVER DISEASE; Polycystic Kidney Disease 2, Autosomal Dominant; POLYCYSTIC KIDNEY DISEASE, ADULT, TYPE II. Identifiers: MedGen C2751306, MONDO:0013131, OMIM 613095.

gnomAD v4.1: 1 of 1,510,098 alleles (0.000066%); highest among the groups gnomAD compares: Non-Finnish European, 0.000088%; no homozygotes.

Submission:

MVZ Medizinische Genetik Mainz
Classification: Pathogenic for Polycystic kidney disease 2. Last evaluated: 2024-07-23. Review status: criteria provided, single submitter. Criteria: UK Practice Guidelines For Variant Classification V4 01 2020. Collection method: clinical testing. Allele origin: germline. Inheritance: Autosomal dominant inheritance. Affected: yes. Observed: 1 variant allele.
Comment: ACMG Criteria: PVS1,PM2_SUP,PP4

NM_000297.4(PKD2):c.592C>T (p.Arg198Ter)

Genes: PKD2 (polycystin 2, transient receptor potential cation channel; plus strand), LOC129992813 (ATAC-STARR-seq lymphoblastoid silent region 15559; plus strand). Cytogenetic location: 4q22.1.
Variant type: single nucleotide variant.
Coding change: c.592C>T on transcript NM_000297.4 (MANE Select); coding-DNA position 592, C replaced by T.
Protein change: p.Arg198Ter; replaces arginine 198 with a stop codon.
Molecular consequence: nonsense. On other transcripts: non-coding transcript variant (1).
Genome position (GRCh38, 1-based): chr4:88,008,325, C>T. VCF-style: chr4-88008325-C-T. GRCh37 (hg19) VCF-style: chr4-88929477-C-T.
Other names: short protein forms R198*.
Identifiers: ClinVar variation 3338385 (VCV003338385.1).